The following is an entry in ClinVar:

ClinVar aggregate classification (germline): Likely benign (1 of 4 stars; one submission).

Allele frequency attached by ClinVar (database versions not stated): 1000 Genomes Project 0.00060; 1000 Genomes Project 30x 0.00078; ESP Exome Variant Server 0.00169; TOPMed 0.00189; ExAC 0.00236.

Submission:

CeGaT Center for Human Genetics Tuebingen
Classification: Likely benign. Last evaluated: 2022-09-01. Review status: criteria provided, single submitter. Criteria: CeGaT Center For Human Genetics Tuebingen Variant Classification Criteria Version 2. Collection method: clinical testing. Allele origin: germline. Affected: yes. Observed: 1 variant allele.
Comment: SLC2A5: BP4, BP7

NM_003039.3(SLC2A5):c.832C>T (p.Leu278=)

Gene: SLC2A5 (solute carrier family 2 member 5; minus strand). Cytogenetic location: 1p36.23.
Variant type: single nucleotide variant.
Coding change: c.832C>T on transcript NM_003039.3 (MANE Select); coding-DNA position 832, C replaced by T.
Protein change: p.Leu278=; no amino-acid change (leucine 278 retained).
Molecular consequence: synonymous variant.
Genome position (GRCh38, 1-based): chr1:9,039,853, G>A on the plus strand (C>T on the coding strand, the complement: SLC2A5 is on the minus strand). VCF-style: chr1-9039853-G-A. GRCh37 (hg19) VCF-style: chr1-9099912-G-A.
Other names: c.832C>T, p.Leu278= (NM_001328619.2); c.700C>T, p.Leu234= (NM_001328620.2); c.391C>T, p.Leu131= (NM_001328621.2).
Identifiers: ClinVar variation 2638186 (VCV002638186.24), dbSNP rs139477702, ClinGen allele CA574168.